The following is an entry in ClinVar:

NM_003265.3(TLR3):c.2620C>T (p.His874Tyr)

Gene: TLR3 (toll like receptor 3; plus strand). Cytogenetic location: 4q35.1.
Variant type: single nucleotide variant.
Coding change: c.2620C>T on transcript NM_003265.3 (MANE Select); coding-DNA position 2620, C replaced by T.
Protein change: p.His874Tyr; replaces histidine 874 with tyrosine.
Molecular consequence: missense variant.
Genome position (GRCh38, 1-based): chr4:186,084,778, C>T. VCF-style: chr4-186084778-C-T. GRCh37 (hg19) VCF-style: chr4-187005932-C-T.
Other names: short protein forms H874Y.
Identifiers: ClinVar variation 4742827 (VCV004742827.1).
Genomic context (GRCh38, chr4:186,084,778, plus strand): 5'-GAGATTCCAGATTATAAACTGAACCATGCACTCTGTTTGCGAAGAGGAATGTTTAAATCT[C>T]ACTGCATCTTGAACTGGCCAGTTCAGAAAGAACGGATAGGTGCCTTTCGTCATAAATTGC-3'
Protein context (NP_003256.1, residues 864-884): LCLRRGMFKS[His874Tyr]CILNWPVQKE

ClinVar aggregate classification (germline): Uncertain significance (1 of 4 stars; one submission).

Conditions:
Encephalopathy, acute, infection-induced (herpes-specific), susceptibility to, 1. Also called: Herpes simplex encephalitis, susceptibility to, 1. Identifiers: Orphanet 1930, MedGen C2750180, MONDO:0024563, OMIM 610551.

gnomAD v4.1: 10 of 1,613,956 alleles (0.00062%); highest among the groups gnomAD compares: Middle Eastern, 0.066%; no homozygotes.

Submission:

Labcorp Genetics (formerly Invitae), Labcorp
Classification: Uncertain significance for Encephalopathy, acute, infection-induced (herpes-specific), susceptibility to, 1. Last evaluated: 2025-05-25. Review status: criteria provided, single submitter. Criteria: Invitae Variant Classification Sherloc (09022015). Collection method: clinical testing. Allele origin: germline.
Comment: This sequence change replaces histidine, which is basic and polar, with tyrosine, which is neutral and polar, at codon 874 of the TLR3 protein (p.His874Tyr). This variant is present in population databases (rs749872617, gnomAD 0.0009%). This variant has not been reported in the literature in individuals affected with TLR3-related conditions. An algorithm developed to predict the effect of missense changes on protein structure and function outputs the following: PolyPhen-2: "Benign". The tyrosine amino acid residue is found in multiple mammalian species, which suggests that this missense change does not adversely affect protein function. In summary, the available evidence is currently insufficient to determine the role of this variant in disease. Therefore, it has been classified as a Variant of Uncertain Significance.